The following is an entry in ClinVar:

NM_005676.5(RBM10):c.2617G>A (p.Glu873Lys)

Gene: RBM10 (RNA binding motif protein 10; plus strand). Cytogenetic location: Xp11.3.
Variant type: single nucleotide variant.
Coding change: c.2617G>A on transcript NM_005676.5 (MANE Select); coding-DNA position 2617, G replaced by A.
Protein change: p.Glu873Lys; replaces glutamic acid 873 with lysine.
Molecular consequence: missense variant.
Genome position (GRCh38, 1-based): chrX:47,186,337, G>A. VCF-style: chrX-47186337-G-A. GRCh37 (hg19) VCF-style: chrX-47045736-G-A.
Other names: c.2386G>A, p.Glu796Lys (NM_001204466.2); c.2614G>A, p.Glu872Lys (NM_001204467.2); c.2812G>A, p.Glu938Lys (NM_001204468.2); c.2383G>A, p.Glu795Lys (NM_152856.3); short protein forms E795K, E938K, E873K, E796K, E872K.
Identifiers: ClinVar variation 2722671 (VCV002722671.3), dbSNP rs2521247031, ClinGen allele CA412809668.

ClinVar aggregate classification (germline): Uncertain significance (1 of 4 stars; one submission).

Submission:

Labcorp Genetics (formerly Invitae), Labcorp
Classification: Uncertain significance. Last evaluated: 2023-05-25. Review status: criteria provided, single submitter. Criteria: Invitae Variant Classification Sherloc (09022015). Collection method: clinical testing. Allele origin: germline.
Comment: Advanced modeling of protein sequence and biophysical properties (such as structural, functional, and spatial information, amino acid conservation, physicochemical variation, residue mobility, and thermodynamic stability) performed at Invitae indicates that this missense variant is not expected to disrupt RBM10 protein function. In summary, the available evidence is currently insufficient to determine the role of this variant in disease. Therefore, it has been classified as a Variant of Uncertain Significance. This variant has not been reported in the literature in individuals affected with RBM10-related conditions. This variant is not present in population databases (gnomAD no frequency). This sequence change replaces glutamic acid, which is acidic and polar, with lysine, which is basic and polar, at codon 873 of the RBM10 protein (p.Glu873Lys).